The following is an entry in ClinVar:

ClinVar aggregate classification (germline): Pathogenic/Likely pathogenic. Review status: criteria provided, multiple submitters, no conflicts (2 of 4 stars). 3 submissions from 3 submitters: Pathogenic (1); Likely pathogenic (2). Last evaluated 2023-01-02.

Conditions:
Young-onset Parkinson disease. Identifiers: Orphanet 2828, MedGen C4275179, MONDO:0017279.

Allele frequency attached by ClinVar (database versions not stated): gnomAD 0.00001; TOPMed 0.00001; gnomAD exomes 0.00002; ExAC 0.00003.
gnomAD v4.1: 12 of 1,583,202 alleles (0.00076%); highest among the groups gnomAD compares: Admixed American, 0.0071%; no homozygotes.

Submissions (3):

Labcorp Genetics (formerly Invitae), Labcorp
Classification: Pathogenic. Last evaluated: 2023-01-02. Review status: criteria provided, single submitter. Criteria: Invitae Variant Classification Sherloc (09022015). Collection method: clinical testing. Allele origin: germline.
Comment: This variant is present in population databases (rs772786691, gnomAD 0.01%). For these reasons, this variant has been classified as Pathogenic. This variant disrupts a region of the PRKN protein in which other variant(s) (p.Arg33Gln) have been determined to be pathogenic (PMID: 12730996, 15606901, 16643317, 19636047, 21348451, 21694720). This suggests that this is a clinically significant region of the protein, and that variants that disrupt it are likely to be disease-causing. ClinVar contains an entry for this variant (Variation ID: 493448). Disruption of the initiator codon has been observed in individual(s) with early-onset Parkinson disease (PMID: 12707451, 20399249). In at least one individual the data is consistent with being in trans (on the opposite chromosome) from a pathogenic variant. This sequence change affects the initiator methionine of the PRKN mRNA. The next in-frame methionine is located at codon 80.

Fulgent Genetics
Classification: Likely pathogenic for Young-onset Parkinson disease. Last evaluated: 2021-05-03. Review status: criteria provided, single submitter. Criteria: ACMG Guidelines, 2015. Collection method: clinical testing. Allele origin: germline. Affected: yes.

CeGaT Center for Human Genetics Tuebingen
Classification: Likely pathogenic. Last evaluated: 2017-08-01. Review status: criteria provided, single submitter. Criteria: CeGaT Center For Human Genetics Tuebingen Variant Classification Criteria Version 2. Collection method: clinical testing. Allele origin: germline. Affected: yes. Observed: 1 variant allele.

Literature cited by the submitters: PubMed 12730996 (cited by Labcorp Genetics (formerly Invitae), Labcorp); PubMed 15606901 (cited by Labcorp Genetics (formerly Invitae), Labcorp); PubMed 16643317 (cited by Labcorp Genetics (formerly Invitae), Labcorp); PubMed 19636047 (cited by Labcorp Genetics (formerly Invitae), Labcorp); PubMed 21348451 (cited by Labcorp Genetics (formerly Invitae), Labcorp); PubMed 21694720 (cited by Labcorp Genetics (formerly Invitae), Labcorp); PubMed 12707451 (cited by Labcorp Genetics (formerly Invitae), Labcorp); PubMed 20399249 (cited by Labcorp Genetics (formerly Invitae), Labcorp).

NM_004562.3(PRKN):c.1A>G (p.Met1Val)

Genes: PACRG (parkin coregulated; plus strand), PRKN (parkin RBR E3 ubiquitin protein ligase; minus strand). Cytogenetic location: 6q26.
Variant type: single nucleotide variant.
Coding change: c.1A>G on transcript NM_004562.3 (MANE Select); coding-DNA position 1, A replaced by G.
Protein change: p.Met1Val; changes the start codon (methionine 1).
Molecular consequence: missense variant, initiator codon variant. On other transcripts: intron variant (2).
Genome position (GRCh38, 1-based): chr6:162,727,668, T>C on the plus strand (A>G on the coding strand, the complement: PRKN is on the minus strand). VCF-style: chr6-162727668-T-C. GRCh37 (hg19) VCF-style: chr6-163148700-T-C.
Other names: c.1A>G, p.Met1Val (NM_013987.3, NM_013988.3); c.-77+389T>C (NM_152410.3, NM_001080378.2); short protein forms M1V.
Identifiers: ClinVar variation 493448 (VCV000493448.47), dbSNP rs772786691, ClinGen allele CA4090564.
Genomic context (GRCh38, chr6:162,727,668, plus strand): 5'-ATACCGGGGCGTGGGGCGGCGCAGAGAGGCTGTACCTGGCAGGTACCCACGTACCTATCA[T>C]GGTCACTGGGTAGGTGGCGGCTGCGGGCCAGGAACAGGCCCATGCGCGCAGCGGCGCCAG-3'
Protein context (NP_004553.2, residues 1-11): [Met1Val]IVFVRFNSSH